The following is an entry in ClinVar:

ClinVar aggregate classification (germline): Uncertain significance. Review status: criteria provided, multiple submitters, no conflicts (2 of 4 stars). 2 submissions from 2 submitters: Uncertain significance (2). Last evaluated 2025-08-14.

Conditions:
Familial meningioma. Also called: Meningioma, familial, susceptibility to. Identifiers: Orphanet 263662, MedGen C3551915, MONDO:0011789, OMIM 607174.

Allele frequency attached by ClinVar (database versions not stated): gnomAD exomes below 0.00001; ExAC 0.00001; gnomAD 0.00001; TOPMed 0.00002.
gnomAD v4.1: 3 of 1,605,208 alleles (0.00019%); highest among the groups gnomAD compares: Non-Finnish European, 0.00026%; no homozygotes.

Submissions (2):

Labcorp Genetics (formerly Invitae), Labcorp
Classification: Uncertain significance for Familial meningioma. Last evaluated: 2025-08-14. Review status: criteria provided, single submitter. Criteria: Invitae Variant Classification Sherloc (09022015). Collection method: clinical testing. Allele origin: germline.
Comment: This sequence change falls in intron 5 of the SMARCE1 gene. It does not directly change the encoded amino acid sequence of the SMARCE1 protein. This variant is present in population databases (rs766494520, gnomAD 0.002%). This variant has not been reported in the literature in individuals affected with SMARCE1-related conditions. ClinVar contains an entry for this variant (Variation ID: 1422437). Studies have shown that this variant is associated with inconclusive levels of altered splicing (internal data). In summary, the available evidence is currently insufficient to determine the role of this variant in disease. Therefore, it has been classified as a Variant of Uncertain Significance.

Baylor Genetics
Classification: Uncertain significance for Familial meningioma. Last evaluated: 2023-08-29. Review status: criteria provided, single submitter. Criteria: ACMG Guidelines, 2015. Collection method: clinical testing. Allele origin: unknown.

NM_003079.5(SMARCE1):c.238-15T>A

Gene: SMARCE1 (SWI/SNF related BAF chromatin remodeling complex subunit E1; minus strand). Cytogenetic location: 17q21.2.
Variant type: single nucleotide variant.
Coding change: c.238-15T>A on transcript NM_003079.5 (MANE Select); 15 bases into the intron before coding-DNA position 238, T replaced by A.
Molecular consequence: intron variant.
Genome position (GRCh38, 1-based): chr17:40,636,541, A>T on the plus strand (T>A on the coding strand, the complement: SMARCE1 is on the minus strand). VCF-style: chr17-40636541-A-T. GRCh37 (hg19) VCF-style: chr17-38792793-A-T.
Identifiers: ClinVar variation 1422437 (VCV001422437.9), dbSNP rs766494520, ClinGen allele CA8545277.